The following is an entry in ClinVar:

ClinVar aggregate classification (germline): Uncertain significance. Review status: criteria provided, multiple submitters, no conflicts (2 of 4 stars). 3 submissions from 3 submitters: Uncertain significance (3). Last evaluated 2023-10-02.

Conditions:
Hypertrophic cardiomyopathy. Also called: HYPERTROPHIC MYOCARDIOPATHY. Identifiers: Orphanet 217569, MedGen C0007194, MeSH D002312, MONDO:0005045, HP:0001639.
Lethal congenital glycogen storage disease of heart. Also called: GLYCOGEN STORAGE DISEASE OF HEART; PHOSPHORYLASE KINASE DEFICIENCY OF HEART. Identifiers: Orphanet 439854, MedGen C1849813, MONDO:0009867, OMIM 261740.
Cardiovascular phenotype. Identifiers: MedGen CN230736.

Allele frequency attached by ClinVar (database versions not stated): gnomAD 0.00001.
gnomAD v4.1: 3 of 1,613,900 alleles (0.00019%); highest among the groups gnomAD compares: African/African-American, 0.0027%; no homozygotes.

Submissions (3):

All of Us Research Program, National Institutes of Health
Classification: Uncertain significance for Hypertrophic cardiomyopathy. Last evaluated: 2023-10-02. Review status: criteria provided, single submitter. Criteria: ACMG Guidelines, 2015. Collection method: clinical testing. Allele origin: germline. Inheritance: Autosomal dominant inheritance. Observed: 1 variant allele, 1 heterozygote.
Comment: This missense variant replaces arginine with leucine at codon 120 of the PRKAG2 protein. Computational prediction is inconclusive regarding the impact of this variant on protein structure and function (internally defined REVEL score threshold 0.5 < inconclusive < 0.7, PMID: 27666373). To our knowledge, functional studies have not been reported for this variant. This variant has not been reported in individuals affected with PRKAG2-related disorders in the literature. This variant has been identified in 1/251228 chromosomes in the general population by the Genome Aggregation Database (gnomAD). The available evidence is insufficient to determine the role of this variant in disease conclusively. Therefore, this variant is classified as a Variant of Uncertain Significance.

This study involves interpretation of variants in research participants for the purpose of population health screening. Participant phenotype was not available at the time of variant classification. Additional details can be found in publication PMID: 35346344, PMCID: PMC8962531

Ambry Genetics
Classification: Uncertain significance for Cardiovascular phenotype. Last evaluated: 2022-09-24. Review status: criteria provided, single submitter. Criteria: Ambry Variant Classification Scheme 2023. Collection method: clinical testing. Allele origin: germline.
Comment: The p.R120L variant (also known as c.359G>T), located in coding exon 3 of the PRKAG2 gene, results from a G to T substitution at nucleotide position 359. The arginine at codon 120 is replaced by leucine, an amino acid with dissimilar properties. This amino acid position is conserved. In addition, this alteration is predicted to be deleterious by in silico analysis. Since supporting evidence is limited at this time, the clinical significance of this alteration remains unclear.

Labcorp Genetics (formerly Invitae), Labcorp
Classification: Uncertain significance for Lethal congenital glycogen storage disease of heart. Last evaluated: 2022-08-09. Review status: criteria provided, single submitter. Criteria: Invitae Variant Classification Sherloc (09022015). Collection method: clinical testing. Allele origin: germline.
Comment: ClinVar contains an entry for this variant (Variation ID: 1397115). Advanced modeling of protein sequence and biophysical properties (such as structural, functional, and spatial information, amino acid conservation, physicochemical variation, residue mobility, and thermodynamic stability) performed at Invitae indicates that this missense variant is expected to disrupt PRKAG2 protein function. In summary, the available evidence is currently insufficient to determine the role of this variant in disease. Therefore, it has been classified as a Variant of Uncertain Significance. This sequence change replaces arginine, which is basic and polar, with leucine, which is neutral and non-polar, at codon 120 of the PRKAG2 protein (p.Arg120Leu). This variant is present in population databases (no rsID available, gnomAD 0.007%). This variant has not been reported in the literature in individuals affected with PRKAG2-related conditions.

NM_016203.4(PRKAG2):c.359G>T (p.Arg120Leu)

Gene: PRKAG2 (protein kinase AMP-activated non-catalytic subunit gamma 2; minus strand). Cytogenetic location: 7q36.1.
Variant type: single nucleotide variant.
Coding change: c.359G>T on transcript NM_016203.4 (MANE Select); coding-DNA position 359, G replaced by T.
Protein change: p.Arg120Leu; replaces arginine 120 with leucine.
Molecular consequence: missense variant.
Genome position (GRCh38, 1-based): chr7:151,781,259, C>A on the plus strand (G>T on the coding strand, the complement: PRKAG2 is on the minus strand). VCF-style: chr7-151781259-C-A. GRCh37 (hg19) VCF-style: chr7-151478345-C-A.
Other names: c.227G>T, p.Arg76Leu (NM_001040633.2); short protein forms R76L, R120L.
Identifiers: ClinVar variation 1397115 (VCV001397115.10), dbSNP rs775756069, ClinGen allele CA370069588.